The following is an entry in ClinVar:

NM_000059.4(BRCA2):c.5334T>C (p.Asn1778=)

Gene: BRCA2 (BRCA2 DNA repair associated; plus strand). Cytogenetic location: 13q13.1.
Variant type: single nucleotide variant.
Coding change: c.5334T>C on transcript NM_000059.4 (MANE Select); coding-DNA position 5334, T replaced by C.
Protein change: p.Asn1778=; no amino-acid change (asparagine 1778 retained).
Molecular consequence: synonymous variant.
Genome position (GRCh38, 1-based): chr13:32,339,689, T>C. VCF-style: chr13-32339689-T-C. GRCh37 (hg19) VCF-style: chr13-32913826-T-C.
Identifiers: ClinVar variation 619810 (VCV000619810.13), dbSNP rs1566232224, ClinGen allele CA483438617.

ClinVar aggregate classification (germline): Likely benign. Review status: criteria provided, multiple submitters, no conflicts (2 of 4 stars). 4 submissions from 4 submitters: Likely benign (4). Last evaluated 2025-02-08.

Conditions:
Hereditary breast ovarian cancer syndrome. Also called: Hereditary breast and ovarian cancer; Hereditary breast and ovarian cancer syndrome (HBOC); Hereditary breast and/or ovarian cancer syndrome; Hereditary breast and ovarian cancer syndrome; Breast and ovarian cancer; BRCA1- and BRCA2-Associated Hereditary Breast and Ovarian Cancer. Identifiers: Orphanet 145, MedGen C0677776, MeSH D061325, MONDO:0003582. Disease mechanism: loss of function.
Breast-ovarian cancer, familial, susceptibility to, 2 (BROVCA2). Also called: BRCA2 Hereditary Breast and Ovarian Cancer. Identifiers: Orphanet 145, MedGen C2675520, MONDO:0012933, OMIM 612555. Disease mechanism: loss of function.
Hereditary cancer-predisposing syndrome. Also called: Tumor predisposition; Neoplastic Syndromes, Hereditary; Hereditary Cancer Syndrome; Hereditary neoplastic syndrome. Identifiers: Orphanet 140162, MedGen C0027672, MeSH D009386, MONDO:0015356.

Allele frequency attached by ClinVar (database versions not stated): gnomAD exomes below 0.00001.
gnomAD v4.1: 1 of 1,612,782 alleles (0.000062%); highest among the groups gnomAD compares: Non-Finnish European, 0.000085%; no homozygotes.

Submissions (4):

Ambry Genetics
Classification: Likely benign for Hereditary cancer-predisposing syndrome. Last evaluated: 2025-02-08. Review status: criteria provided, single submitter. Criteria: Ambry Variant Classification Scheme 2023. Collection method: clinical testing. Allele origin: germline.

Labcorp Genetics (formerly Invitae), Labcorp
Classification: Likely benign for Hereditary breast ovarian cancer syndrome. Last evaluated: 2024-11-20. Review status: criteria provided, single submitter. Criteria: Invitae Variant Classification Sherloc (09022015). Collection method: clinical testing. Allele origin: germline.

All of Us Research Program, National Institutes of Health
Classification: Likely benign for Breast-ovarian cancer, familial, susceptibility to, 2. Last evaluated: 2023-06-26. Review status: criteria provided, single submitter. Criteria: ACMG Guidelines, 2015. Collection method: clinical testing. Allele origin: germline. Inheritance: Autosomal dominant inheritance. Observed: 1 variant allele, 1 heterozygote.
Comment: This study involves interpretation of variants in research participants for the purpose of population health screening. Participant phenotype was not available at the time of variant classification. Additional details can be found in publication PMID: 35346344, PMCID: PMC8962531

Quest Diagnostics Nichols Institute San Juan Capistrano
Classification: Likely benign. Last evaluated: 2018-07-09. Review status: criteria provided, single submitter. Criteria: Quest Diagnostics criteria. Collection method: clinical testing. Allele origin: germline.